The following is an entry in ClinVar:

ClinVar aggregate classification (germline): Uncertain significance (1 of 4 stars; one submission).

Submission:

Labcorp Genetics (formerly Invitae), Labcorp
Classification: Uncertain significance. Last evaluated: 2025-08-20. Review status: criteria provided, single submitter. Criteria: Invitae Variant Classification Sherloc (09022015). Collection method: clinical testing. Allele origin: germline.
Comment: This sequence change replaces glycine, which is neutral and non-polar, with serine, which is neutral and polar, at codon 309 of the HIVEP2 protein (p.Gly309Ser). This variant is not present in population databases (gnomAD no frequency). This variant has not been reported in the literature in individuals affected with HIVEP2-related conditions. Invitae Evidence Modeling of protein sequence and biophysical properties (such as structural, functional, and spatial information, amino acid conservation, physicochemical variation, residue mobility, and thermodynamic stability) indicates that this missense variant is not expected to disrupt HIVEP2 protein function with a negative predictive value of 80%. In summary, the available evidence is currently insufficient to determine the role of this variant in disease. Therefore, it has been classified as a Variant of Uncertain Significance.

NM_006734.4(HIVEP2):c.925G>A (p.Gly309Ser)

Gene: HIVEP2 (HIVEP zinc finger 2; minus strand). Cytogenetic location: 6q24.2.
Variant type: single nucleotide variant.
Coding change: c.925G>A on transcript NM_006734.4 (MANE Select); coding-DNA position 925, G replaced by A.
Protein change: p.Gly309Ser; replaces glycine 309 with serine.
Molecular consequence: missense variant.
Genome position (GRCh38, 1-based): chr6:142,773,814, C>T on the plus strand (G>A on the coding strand, the complement: HIVEP2 is on the minus strand). VCF-style: chr6-142773814-C-T. GRCh37 (hg19) VCF-style: chr6-143094951-C-T.
Other names: c.925G>A, p.Gly309Ser (NM_001438449.1, NM_001438450.1, NM_001438451.1); short protein forms G309S.
Identifiers: ClinVar variation 4743851 (VCV004743851.1).
Genomic context (GRCh38, chr6:142,773,814, plus strand): 5'-TCAAAATCGGCACCTTCATTGGACCTCCCAATGATTCTTCCAATGACCCATGATAGCCGC[C>T]TCTGCTGGCAATGTCCAGTGGGATGGGTGGACCAGGACTCATTTTGTCAGAAGCCTCGGC-3'
Protein context (NP_006725.3, residues 299-319): PPIPLDIASR[Gly309Ser]GYHGSLEESL